The following is an entry in ClinVar:

NM_001029.5(RPS26):c.1A>G (p.Met1Val)

Gene: RPS26 (ribosomal protein S26; plus strand). Cytogenetic location: 12q13.2.
Variant type: single nucleotide variant.
Coding change: c.1A>G on transcript NM_001029.5 (MANE Select); coding-DNA position 1, A replaced by G.
Protein change: p.Met1Val; changes the start codon (methionine 1).
Molecular consequence: missense variant, initiator codon variant.
Genome position (GRCh38, 1-based): chr12:56,042,167, A>G. VCF-style: chr12-56042167-A-G. GRCh37 (hg19) VCF-style: chr12-56435951-A-G.
Other names: NM_001029.5(RPS26):c.1A>G; p.Met1Val; c.1A>G, p.Met1Val (LRG_1146t1); short protein forms M1V.
Identifiers: ClinVar variation 6122 (VCV000006122.20), dbSNP rs143951267, ClinGen allele CA253774.

ClinVar aggregate classification (germline): Pathogenic. Review status: criteria provided, multiple submitters, no conflicts (2 of 4 stars). 9 submissions from 9 submitters: Pathogenic (8). 1 of the submissions does not count toward it. Last evaluated 2026-06-01.

Conditions:
RPS26-related disorder. Also called: RPS26-related condition.
Diamond-Blackfan anemia. Also called: Blackfan Diamond syndrome; Aregenerative anemia chronic congenital; Red cell aplasia, pure hereditary; Congenital hypoplastic anemia; Aase syndrome. Identifiers: Orphanet 124, MedGen C1260899, MeSH D029503, MONDO:0015253, HP:0004810.
Diamond-Blackfan anemia 10 (DBA10). Also called: RPS26-Related Diamond-Blackfan Anemia. Identifiers: Orphanet 124, MedGen C2750080, MONDO:0013217, OMIM 613309.

Submissions (10):

CeGaT Center for Human Genetics Tuebingen
Classification: Pathogenic. Last evaluated: 2026-06-01. Review status: criteria provided, single submitter. Criteria: CeGaT Center For Human Genetics Tuebingen Variant Classification Criteria Version 2. Collection method: clinical testing. Allele origin: germline. Affected: yes. Observed: 1 variant allele.
Comment: RPS26: PS4, PM2, PS1:Moderate, PVS1:Moderate, PM6:Supporting

Labcorp Genetics (formerly Invitae), Labcorp
Classification: Pathogenic for Diamond-Blackfan anemia 10. Last evaluated: 2025-08-30. Review status: criteria provided, single submitter. Criteria: Invitae Variant Classification Sherloc (09022015). Collection method: clinical testing. Allele origin: germline.
Comment: This sequence change affects the initiator codon of the RPS26 mRNA. This change may impact translation initiation or efficiency. The next in-frame methionine is located at codon 115. This variant is not present in population databases (gnomAD no frequency). Disruption of the initiator codon has been observed in individual(s) with Diamond-Blackfan anemia (PMID: 20116044, 24942156, 26136524). In at least one individual the variant was observed to be de novo. ClinVar contains an entry for this variant (Variation ID: 6122). Algorithms developed to predict the effect of sequence changes on RNA splicing suggest that this variant may disrupt the consensus splice site. For these reasons, this variant has been classified as Pathogenic.

Clinical Genetics Laboratory, Skane University Hospital Lund
Classification: Pathogenic for Diamond-Blackfan anemia 10. Last evaluated: 2024-12-02. Review status: criteria provided, single submitter. Criteria: ACMG Guidelines, 2015. Collection method: clinical testing. Allele origin: germline. Inheritance: Autosomal dominant inheritance. Affected: yes.
Comment: Classification according to ACMG criteria: PVS1, PS2, PS4

GeneDx
Classification: Pathogenic. Last evaluated: 2024-04-05. Review status: criteria provided, single submitter. Criteria: GeneDx Variant Classification Process June 2021. Collection method: clinical testing. Allele origin: germline.
Comment: Initiation codon variant in a gene for which loss of function is a known mechanism of disease; Not observed at significant frequency in large population cohorts (gnomAD); This variant is associated with the following publications: (PMID: 28102861, 25525159, 28280134, 33718801, 24942156, 26136524, 20116044)

Revvity Omics, Revvity
Classification: Pathogenic for Diamond-Blackfan anemia 10. Last evaluated: 2023-06-16. Review status: criteria provided, single submitter. Criteria: ACMG Guidelines, 2015. Collection method: clinical testing. Allele origin: germline.

Broad Center for Mendelian Genomics, Broad Institute of MIT and Harvard
Classification: Pathogenic for Diamond-Blackfan anemia 10. Last evaluated: 2023-01-25. Review status: criteria provided, single submitter. Criteria: ACMG Guidelines, 2015. Collection method: curation. Allele origin: germline. Inheritance: Autosomal dominant inheritance.
Comment: The p.Met1Val variant in RPS26 has been reported in 8 unrelated individuals with Diamond-Blackfan anemia 10 (PMID: 26136524, PMID: 20116044, PMID: 24942156) and segregated with disease in 4 affected relatives from 2 families (PMID: 20116044). The number of reported affected individuals with this variant is greater than expected compared to non-affected individuals with this variant. This variant was found to be de novo in 4 individuals with confirmed paternity and maternity (PMID: 24942156, PMID: 20116044). This variant has also been reported in ClinVar (Variation ID: 6122) and has been interpreted as pathogenic by OMIM, Invitae, and Ambry Genetics. Four pathogenic or likely pathogenic variants, resulting in a different amino acid change at the same position, c.1A>C (p.Met1Leu), c.1A>T (p.Met1Leu), c.2T>C (p.Met1Thr), and c.2T>G (p.Met1Arg), have been reported in ClinVar, supporting that a change at this position may not be tolerated (ClinVar Variation ID: 598993, 6123, 1798678, 933891). This variant was absent from large population studies. This variant is located in the first amino acid and obliterates the methionine initiation codon. The next in-frame methionine is at amino acid residue 115 and there are 19 reported pathogenic or likely pathogenic variants in ClinVar upstream of this downstream methionine. Heterozygous loss of function of the RPS26 gene is an established disease mechanism in Diamond-Blackfan anemia 10. In summary, this variant meets criteria to be classified as pathogenic for autosomal dominant Diamond-Blackfan anemia 10. ACMG/AMP Criteria applied: PVS1_Moderate, PS2, PS4, PM2_Supporting, PP1 (Richards 2015).

Blueprint Genetics
Classification: Pathogenic for RPS26-related disorders. Last evaluated: 2020-02-05. Review status: criteria provided, single submitter. Criteria: ACMG Guidelines, 2015. Collection method: clinical testing. Allele origin: germline. Affected: yes. Observed: 1 variant allele.

Ambry Genetics
Classification: Pathogenic for Diamond-Blackfan anemia. Last evaluated: 2017-12-22. Review status: criteria provided, single submitter. Criteria: Ambry Variant Classification Scheme 2023. Collection method: clinical testing. Allele origin: germline.
Comment: The p.M1? pathogenic mutation (also known as c.1A>G) is located in coding exon 1 of the RPS26 gene and results from an A to G substitution at nucleotide position 1. This alters the methionine residue at the initiation codon. This pathogenic mutation was first described in 4 individuals and 2 additional family members who were affected with Diamond-Blackfan anemia (Doherty L et al. Am. J. Hum. Genet., 2010 Feb;86:222-8). In addition to the clinical data presented in the literature, since sequence variations that modify the initiation codon (ATG) are expected to result in either loss of translation initiation, N-terminal truncation, or cause a shift in the mRNA reading frame, this alteration is interpreted as a disease-causing mutation.

OMIM
Classification: Pathogenic for DIAMOND-BLACKFAN ANEMIA 10. Last evaluated: 2010-02-12. Review status: no assertion criteria provided. Collection method: literature only. Allele origin: germline. Not counted in ClinVar's aggregate classification.

Dr. Peter K. Rogan Lab, Western University
No classification provided (evidence only). Condition: Ovarian serous cystadenocarcinoma. Review status: no classification provided. Collection method: in vitro. Allele origin: not applicable. Functional consequence: retained intron. Not counted in ClinVar's aggregate classification.

Literature cited by the submitters: PubMed 20116044 (cited by 3 submitters); PubMed 24942156 (cited by Labcorp Genetics (formerly Invitae), Labcorp); PubMed 26136524 (cited by Labcorp Genetics (formerly Invitae), Labcorp).